The following is an entry in ClinVar:

ClinVar aggregate classification (germline): Conflicting classifications of pathogenicity. Review status: criteria provided, conflicting classifications (1 of 4 stars). 6 submissions from 5 submitters: Uncertain significance (3); Likely benign (2). 1 of the submissions does not count toward it. Last evaluated 2025-09-28.

Conditions:
Immunodeficiency 104. Also called: Severe Combined Immune Deficiency, Autosomal Recessive, TCell -Negative, B Cell-Positive, NK Cell-Positive, IL7R-Related; IMMUNODEFICIENCY 104, SEVERE COMBINED; Severe combined immunodeficiency, autosomal recessive, T cell-negative, B cell-positive, NK cell-positive; SCID, AUTOSOMAL RECESSIVE, T CELL-NEGATIVE, B CELL-POSITIVE, NK CELL-POSITIVE. Identifiers: MedGen C5676890, MONDO:0012163, OMIM 608971.
PTPRC-related disorder. Also called: PTPRC-related condition.
Immunodeficiency 105 (IMD105). Also called: Immunodeficiency 105, severe combined. Identifiers: MedGen C5677005, MONDO:0800104, OMIM 619924.

Allele frequency attached by ClinVar (database versions not stated): ExAC below 0.00001; gnomAD 0.00001; gnomAD exomes 0.00001.
gnomAD v4.1: 6 of 1,601,220 alleles (0.00037%); highest among the groups gnomAD compares: Middle Eastern, 0.084%; no homozygotes.

Submissions (6):

Labcorp Genetics (formerly Invitae), Labcorp
Classification: Likely benign for Immunodeficiency 104. Last evaluated: 2025-09-28. Review status: criteria provided, single submitter. Criteria: Invitae Variant Classification Sherloc (09022015). Collection method: clinical testing. Allele origin: germline.

Blueprint Genetics
Classification: Likely benign. Last evaluated: 2024-03-13. Review status: criteria provided, single submitter. Criteria: ACMG Guidelines, 2015. Collection method: clinical testing. Allele origin: germline.

Center for Genomics, Ann and Robert H. Lurie Children's Hospital of Chicago
Classification: Uncertain significance for Immunodeficiency 105. Last evaluated: 2021-03-30. Review status: criteria provided, single submitter. Criteria: ACMG Guidelines, 2015. Collection method: clinical testing. Allele origin: germline.
Comment: PTPRC NM_002838 exon 20 (c.2142+7A>G): This variant has not been reported in the literature and is not present in large control databases. Evolutionary conservation and computational predictive tools for this variant are limited or unavailable. This variant is an intronic variant with no predicted change in the amino acid sequence but may have an unknown effect on splicing. Further studies are needed to understand its impact. In summary, data on this variant is insufficient for disease classification. Therefore, the clinical significance of this variant is uncertain.

Baylor Genetics
Classification: Uncertain significance for Immunodeficiency 104. Last evaluated: 2019-08-13. Review status: criteria provided, single submitter. Criteria: ACMG Guidelines, 2015. Collection method: clinical testing. Allele origin: unknown. Affected: yes.
Comment: This variant was determined to be of uncertain significance according to ACMG Guidelines, 2015 [PMID:25741868].

Center for Genomics, Ann and Robert H. Lurie Children's Hospital of Chicago
Classification: Uncertain significance for Immunodeficiency 104. Last evaluated: 2017-10-31. Review status: criteria provided, single submitter. Criteria: ACMG Guidelines, 2015. Collection method: clinical testing. Allele origin: germline.
Comment: PTPRC NM_002838.4 exon 20 (c.2142+7A>G): This variant has not been reported in the literature and is not present in large control databases. Evolutionary conservation and computational predictive tools for this variant are limited or unavailable. This variant is an intronic variant with no predicted change in the amino acid sequence but may have an unknown effect on splicing. Further studies are needed to understand its impact. In summary, data on this variant is insufficient for disease classification. Therefore, the clinical significance of this variant is uncertain.

PreventionGenetics, part of Exact Sciences
Classification: Likely benign for PTPRC-related condition. Last evaluated: 2019-04-12. Review status: no assertion criteria provided. Collection method: clinical testing. Allele origin: germline. Not counted in ClinVar's aggregate classification.
Comment: This variant is classified as likely benign based on ACMG/AMP sequence variant interpretation guidelines (Richards et al. 2015 PMID: 25741868, with internal and published modifications).

NM_002838.5(PTPRC):c.2142+7A>G

Gene: PTPRC (protein tyrosine phosphatase receptor type C; plus strand). Cytogenetic location: 1q32.1.
Variant type: single nucleotide variant.
Coding change: c.2142+7A>G on transcript NM_002838.5 (MANE Select); 7 bases into the intron after coding-DNA position 2142, A replaced by G.
Molecular consequence: intron variant.
Genome position (GRCh38, 1-based): chr1:198,732,563, A>G. VCF-style: chr1-198732563-A-G. GRCh37 (hg19) VCF-style: chr1-198701692-A-G.
Other names: c.1659+7A>G (NM_080921.4).
Identifiers: ClinVar variation 626155 (VCV000626155.17), dbSNP rs764731559, ClinGen allele CA1315004.